The following is an entry in ClinVar:

ClinVar aggregate classification (germline): Uncertain significance (1 of 4 stars; one submission).

Conditions:
Intellectual developmental disorder, autosomal recessive 65. Also called: MENTAL RETARDATION, AUTOSOMAL RECESSIVE 65; Intellectual disability, autosomal recessive 65. Identifiers: MedGen C4748219, MONDO:0020850, OMIM 618109.

Submission:

Dasa
Classification: Uncertain significance for Intellectual developmental disorder, autosomal recessive 65. Last evaluated: 2025-11-05. Review status: criteria provided, single submitter. Criteria: DASA Assertion Criteria. Collection method: clinical testing. Allele origin: germline.
Comment: NM_006618.5(KDM5B):c.283-2A>G affects a canonical splice site and is predicted to disrupt normal RNA splicing. This variant is absent from population databases. The currently available literature and clinical evidence are not sufficient to establish a definitive association between this variant and the reported condition. Therefore, this variant is classified as a variant of uncertain significance.

NM_006618.5(KDM5B):c.283-2A>G

Gene: KDM5B (lysine demethylase 5B; minus strand). Cytogenetic location: 1q32.1.
Variant type: single nucleotide variant.
Coding change: c.283-2A>G on transcript NM_006618.5 (MANE Select); the canonical splice acceptor site of the intron before coding-DNA position 283, A replaced by G.
Molecular consequence: splice acceptor variant.
Genome position (GRCh38, 1-based): chr1:202,774,737, T>C on the plus strand (A>G on the coding strand, the complement: KDM5B is on the minus strand). VCF-style: chr1-202774737-T-C. GRCh37 (hg19) VCF-style: chr1-202743865-T-C.
Other names: c.268-2A>G (NM_001399817.1); c.283-2A>G (NM_001347591.2, NM_001314042.2).
Identifiers: ClinVar variation 4881732 (VCV004881732.2).